The following is an entry in ClinVar:

ClinVar aggregate classification (germline): Uncertain significance (1 of 4 stars; one submission).

Conditions:
Breast-ovarian cancer, familial, susceptibility to, 1 (BROVCA1). Also called: BRCA1 Hereditary Breast and Ovarian Cancer; OVARIAN CANCER, SUSCEPTIBILITY TO. Identifiers: Orphanet 145, MedGen C2676676, MONDO:0011450, OMIM 604370. Disease mechanism: loss of function.
Fanconi anemia, complementation group S (FANCS). Identifiers: MedGen C4554406, MONDO:0054748, OMIM 617883.
Hereditary breast ovarian cancer syndrome. Also called: Hereditary breast and ovarian cancer; Hereditary breast and ovarian cancer syndrome (HBOC); Breast and ovarian cancer; Hereditary breast and/or ovarian cancer syndrome; BRCA1- and BRCA2-Associated Hereditary Breast and Ovarian Cancer; Hereditary breast and ovarian cancer syndrome. Identifiers: Orphanet 145, MedGen C0677776, MeSH D061325, MONDO:0003582. Disease mechanism: loss of function.
Pancreatic cancer, susceptibility to, 4. Identifiers: Orphanet 1333, MedGen C3280442, MONDO:0013685, OMIM 614320.

Allele frequency attached by ClinVar (database versions not stated): gnomAD 0.00001; TOPMed 0.00001.
gnomAD v4.1: 1 of 1,613,996 alleles (0.000062%); highest among the groups gnomAD compares: African/African-American, 0.0013%; no homozygotes.

Submissions (2):

Otogenetics
Classification: Uncertain significance for Breast-ovarian cancer, familial, susceptibility to, 1; Fanconi anemia, complementation group S; Pancreatic cancer, susceptibility to, 4; Hereditary breast ovarian cancer syndrome. Last evaluated: 2025-01-25. Review status: criteria provided, single submitter. Criteria: ACMG Guidelines, 2015. Collection method: clinical testing. Allele origin: germline.
Comment: PM2_Supporting: Variant not observed in gnomAD (<0.231% threshold); BS3: Well-established in vitro and in vivo functional studies show no damaging effect on protein function or splicing (PMID: 30209399)

Brotman Baty Institute, University of Washington
No classification provided (evidence only). Condition: Breast-ovarian cancer, familial 1. Review status: no classification provided. Collection method: in vitro. Allele origin: not applicable. Functional consequence: functionally_normal. Not counted in ClinVar's aggregate classification.
ClinVar note: "not provided" was previously submitted as the classification for the variant. However, the classification appeared to be based only on an observation of functional data so it was converted to no classification on 2025-07-30.

Literature cited by the submitters: PubMed 30209399 (cited by Otogenetics).

NM_007294.4(BRCA1):c.5407G>C (p.Gly1803Arg)

Gene: BRCA1 (BRCA1 DNA repair associated; minus strand). Cytogenetic location: 17q21.31.
Variant type: single nucleotide variant.
Coding change: c.5407G>C on transcript NM_007294.4 (MANE Select); coding-DNA position 5407, G replaced by C.
Protein change: p.Gly1803Arg; replaces glycine 1803 with arginine.
Molecular consequence: missense variant. On other transcripts: non-coding transcript variant (1).
Genome position (GRCh38, 1-based): chr17:43,047,703, C>G on the plus strand (G>C on the coding strand, the complement: BRCA1 is on the minus strand). VCF-style: chr17-43047703-C-G. GRCh37 (hg19) VCF-style: chr17-41199720-C-G.
Other names: c.5194G>C, p.Gly1732Arg (NM_001407894.1, NM_001407895.1, NM_001407896.1 and 12 more transcripts); c.5473G>C, p.Gly1825Arg (NM_001407581.1, NM_001407582.1); c.5470G>C, p.Gly1824Arg (NM_001407583.1, NM_001407585.1, NM_001407587.1 and 1 more transcripts); c.5467G>C, p.Gly1823Arg (NM_001407590.1, NM_001407591.1); c.5407G>C, p.Gly1803Arg (NM_001407593.1, NM_001407594.1, NM_001407596.1 and 5 more transcripts); c.5404G>C, p.Gly1802Arg (NM_001407614.1, NM_001407615.1, NM_001407616.1 and 14 more transcripts); c.5401G>C, p.Gly1801Arg (NM_001407633.1, NM_001407634.1, NM_001407635.1 and 13 more transcripts); c.5329G>C, p.Gly1777Arg (NM_001407655.1, NM_001407652.1, NM_001407653.1 and 1 more transcripts); and 83 more; short protein forms G1803R, G674A, G1756R, G1824R, G699R, G1506R, G1674R, G1690R.
Identifiers: ClinVar variation 868074 (VCV000868074.4), dbSNP rs876659510, ClinGen allele CA10590657.